The following is an entry in ClinVar:

NM_001354604.2(MITF):c.*2868T>C

Gene: MITF (melanocyte inducing transcription factor; plus strand). Cytogenetic location: 3p13.
Variant type: single nucleotide variant.
Coding change: c.*2868T>C on transcript NM_001354604.2 (MANE Select); 2868 bases downstream of the stop codon, T replaced by C.
Molecular consequence: 3 prime UTR variant.
Genome position (GRCh38, 1-based): chr3:69,968,116, T>C. VCF-style: chr3-69968116-T-C. GRCh37 (hg19) VCF-style: chr3-70017267-T-C.
Other names: c.*2868T>C (NM_000248.4, NM_001184967.2, NM_001354605.2 and 8 more transcripts).
Identifiers: ClinVar variation 346542 (VCV000346542.5), dbSNP rs529623175, ClinGen allele CA10619416.

ClinVar aggregate classification (germline): Benign. Review status: criteria provided, single submitter (1 of 4 stars). 2 submissions from 1 submitter: Benign (2). Last evaluated 2018-01-13.

Conditions:
Tietz syndrome (TADS). Also called: ALBINISM-DEAFNESS OF TIETZ; HYPOPIGMENTATION/DEAFNESS OF TIETZ; TIETZ ALBINISM-DEAFNESS SYNDROME. Identifiers: Orphanet 42665, MedGen C0391816, MONDO:0007077, OMIM 103500.
Waardenburg syndrome type 2A (WS2A). Also called: WAARDENBURG SYNDROME WITHOUT DYSTOPIA CANTHORUM. Identifiers: Orphanet 3440, MedGen C1860339, MONDO:0008671, OMIM 193510.

Allele frequency attached by ClinVar (database versions not stated): gnomAD 0.00005 and 0.00007; gnomAD exomes 0.00015; TOPMed 0.00015; 1000 Genomes Project 0.00060; 1000 Genomes Project 30x 0.00078.
gnomAD v4.1: 23 of 233,376 alleles (0.0099%); highest among the groups gnomAD compares: Admixed American, 0.023%; no homozygotes.

Submissions (2):

Illumina Laboratory Services, Illumina
Classification: Benign for Tietz syndrome. Last evaluated: 2018-01-13. Review status: criteria provided, single submitter. Criteria: ICSL Variant Classification Criteria 13 December 2019. Collection method: clinical testing. Allele origin: germline.
Comment: This variant was observed in the ICSL laboratory as part of a predisposition screen in an ostensibly healthy population. It had not been previously curated by ICSL or reported in the Human Gene Mutation Database (HGMD: prior to June 1st, 2018), and was therefore a candidate for classification through an automated scoring system. Utilizing variant allele frequency, disease prevalence and penetrance estimates, and inheritance mode, an automated score was calculated to assess if this variant is too frequent to cause the disease. Based on the score and internal cut-off values, a variant classified as benign is not then subjected to further curation. The score for this variant resulted in a classification of benign for this disease.

Illumina Laboratory Services, Illumina
Classification: Benign for Waardenburg syndrome type 2A. Last evaluated: 2018-01-13. Review status: criteria provided, single submitter. Criteria: ICSL Variant Classification Criteria 13 December 2019. Collection method: clinical testing. Allele origin: germline.
Comment: the same text as in the submission from Illumina Laboratory Services, Illumina above.